The following is an entry in ClinVar:

NM_006393.3(NEBL):c.2467G>T (p.Gly823Trp)

Gene: NEBL (nebulette; minus strand). Cytogenetic location: 10p12.31.
Variant type: single nucleotide variant.
Coding change: c.2467G>T on transcript NM_006393.3 (MANE Select); coding-DNA position 2467, G replaced by T.
Protein change: p.Gly823Trp; replaces glycine 823 with tryptophan.
Molecular consequence: missense variant.
Genome position (GRCh38, 1-based): chr10:20,812,820, C>A on the plus strand (G>T on the coding strand, the complement: NEBL is on the minus strand). VCF-style: chr10-20812820-C-A. GRCh37 (hg19) VCF-style: chr10-21101749-C-A.
Other names: c.478G>T, p.Gly160Trp (NM_001173484.2, NM_001377322.1, NM_213569.2); c.430G>T, p.Gly144Trp (NM_001377323.1); c.421G>T, p.Gly141Trp (NM_001377324.1); c.412G>T, p.Gly138Trp (NM_001377325.1); c.370G>T, p.Gly124Trp (NM_001377326.1, NM_001377327.1, NM_001377328.1); short protein forms G141W, G160W, G144W, G124W, G138W, G823W.
Identifiers: ClinVar variation 4755280 (VCV004755280.1).

ClinVar aggregate classification (germline): Uncertain significance (1 of 4 stars; one submission).

Conditions:
Primary dilated cardiomyopathy (DCM). Also called: Dilated Cardiomyopathy. Identifiers: Orphanet 217604, MedGen C0007193, MeSH D002311, MONDO:0005021, HP:0001644. Inheritance: Various modes of inheritance.

gnomAD v4.1: 5 of 1,613,912 alleles (0.00031%); highest among the groups gnomAD compares: Admixed American, 0.0033%; no homozygotes.

Submission:

Labcorp Genetics (formerly Invitae), Labcorp
Classification: Uncertain significance for Primary dilated cardiomyopathy. Last evaluated: 2025-04-24. Review status: criteria provided, single submitter. Criteria: Invitae Variant Classification Sherloc (09022015). Collection method: clinical testing. Allele origin: germline.
Comment: This sequence change replaces glycine, which is neutral and non-polar, with tryptophan, which is neutral and slightly polar, at codon 823 of the NEBL protein (p.Gly823Trp). This variant is present in population databases (rs146601168, gnomAD 0.004%). This variant has not been reported in the literature in individuals affected with NEBL-related conditions. An algorithm developed to predict the effect of missense changes on protein structure and function (PolyPhen-2) suggests that this variant is likely to be disruptive. In summary, the available evidence is currently insufficient to determine the role of this variant in disease. Therefore, it has been classified as a Variant of Uncertain Significance.